The following is an entry in ClinVar:

ClinVar aggregate classification (germline): Conflicting classifications of pathogenicity. Review status: criteria provided, conflicting classifications (1 of 4 stars). 3 submissions from 3 submitters: Uncertain significance (2); Likely benign (1). Last evaluated 2025-06-03.

Conditions:
TTN-related disorder. Also called: TTN-related condition; TTN-related disease; TTN-related disorders.

Allele frequency attached by ClinVar (database versions not stated): ExAC 0.00001; TOPMed 0.00001; gnomAD exomes 0.00002.
gnomAD v4.1: 25 of 1,613,510 alleles (0.0015%); highest among the groups gnomAD compares: East Asian, 0.0089%; no homozygotes.

Submissions (3):

PreventionGenetics, part of Exact Sciences
Classification: Uncertain significance for TTN-related condition. Last evaluated: 2025-06-03. Review status: criteria provided, single submitter. Criteria: ACMG Guidelines, 2015. Collection method: clinical testing. Allele origin: germline.
Comment: The TTN c.86045C>T variant is predicted to result in the amino acid substitution p.Pro28682Leu. To our knowledge, this variant has not been reported in the literature. This variant is reported in 0.0056% of alleles in individuals of East Asian descent in gnomAD. At this time, the clinical significance of this variant is uncertain due to the absence of conclusive functional and genetic evidence.

GeneDx
Classification: Likely benign. Last evaluated: 2018-02-26. Review status: criteria provided, single submitter. Criteria: GeneDx Variant Classification (06012015). Collection method: clinical testing. Allele origin: germline. Affected: yes.
Comment: This variant is considered likely benign or benign based on one or more of the following criteria: it is a conservative change, it occurs at a poorly conserved position in the protein, it is predicted to be benign by multiple in silico algorithms, and/or has population frequency not consistent with disease.

Eurofins Ntd Llc (ga)
Classification: Uncertain significance. Last evaluated: 2017-05-23. Review status: criteria provided, single submitter. Criteria: EGL Classification Definitions 2015. Collection method: clinical testing. Allele origin: germline. Observed: 1 variant allele, 1 heterozygote.

NM_001267550.2(TTN):c.86045C>T (p.Pro28682Leu)

Genes: TTN (titin; minus strand), TTN-AS1 (TTN antisense RNA 1; plus strand). Cytogenetic location: 2q31.2.
Variant type: single nucleotide variant.
Coding change: c.86045C>T on transcript NM_001267550.2 (MANE Select); coding-DNA position 86045, C replaced by T.
Protein change: p.Pro28682Leu; replaces proline 28682 with leucine.
Molecular consequence: missense variant.
Genome position (GRCh38, 1-based): chr2:178,560,087, G>A on the plus strand (C>T on the coding strand, the complement: TTN is on the minus strand). VCF-style: chr2-178560087-G-A. GRCh37 (hg19) VCF-style: chr2-179424814-G-A.
Other names: c.81122C>T, p.Pro27041Leu (NM_001256850.1); c.58850C>T, p.Pro19617Leu (NM_003319.4); c.78341C>T, p.Pro26114Leu (NM_133378.4); c.59225C>T, p.Pro19742Leu (NM_133432.3); c.59426C>T, p.Pro19809Leu (NM_133437.4); short protein forms P26114L, P28682L, P27041L, P19617L, P19809L, P19742L.
Identifiers: ClinVar variation 502154 (VCV000502154.6), dbSNP rs760467197, ClinGen allele CA1988559.